The following is an entry in ClinVar:

NM_001134665.3(TRMT10A):c.794A>G (p.Gln265Arg)

Gene: TRMT10A (tRNA methyltransferase 10A; minus strand). Cytogenetic location: 4q23.
Variant type: single nucleotide variant.
Coding change: c.794A>G on transcript NM_001134665.3 (MANE Select); coding-DNA position 794, A replaced by G.
Protein change: p.Gln265Arg; replaces glutamine 265 with arginine.
Molecular consequence: missense variant.
Genome position (GRCh38, 1-based): chr4:99,549,314, T>C on the plus strand (A>G on the coding strand, the complement: TRMT10A is on the minus strand). VCF-style: chr4-99549314-T-C. GRCh37 (hg19) VCF-style: chr4-100470471-T-C.
Other names: c.794A>G, p.Gln265Arg (NM_001134666.3, NM_001375880.1, NM_001375881.1 and 1 more transcripts); c.773A>G, p.Gln258Arg (NM_001375882.1); short protein forms Q258R, Q265R.
Identifiers: ClinVar variation 1896226 (VCV001896226.2), dbSNP rs747861253, ClinGen allele CA3021420.
Genomic context (GRCh38, chr4:99,549,314, plus strand): 5'-CAGGCTTTGTCTGTGGGAACAGCTCCTTTCCGTTGGGGCAAGATAGTAAAAAATGCTTCT[T>C]GCCAGTCTCTTGTTTCCAGGTATTCCAGAATAATTTCAAACACTGCAATAAAGACATATT-3'
Protein context (NP_001128137.1, residues 255-275): ILEYLETRDW[Gln265Arg]EAFFTILPQR

ClinVar aggregate classification (germline): Uncertain significance (1 of 4 stars; one submission).

Allele frequency attached by ClinVar (database versions not stated): gnomAD exomes 0.00001; ExAC 0.00002; TOPMed 0.00002.
gnomAD v4.1: 8 of 1,614,162 alleles (0.0005%); highest among the groups gnomAD compares: Admixed American, 0.005%; no homozygotes.

Submission:

Labcorp Genetics (formerly Invitae), Labcorp
Classification: Uncertain significance. Last evaluated: 2022-07-23. Review status: criteria provided, single submitter. Criteria: Invitae Variant Classification Sherloc (09022015). Collection method: clinical testing. Allele origin: germline.
Comment: This sequence change replaces glutamine, which is neutral and polar, with arginine, which is basic and polar, at codon 265 of the TRMT10A protein (p.Gln265Arg). This variant is present in population databases (rs747861253, gnomAD 0.006%). This variant has not been reported in the literature in individuals affected with TRMT10A-related conditions. Algorithms developed to predict the effect of missense changes on protein structure and function (SIFT, PolyPhen-2, Align-GVGD) all suggest that this variant is likely to be tolerated. In summary, the available evidence is currently insufficient to determine the role of this variant in disease. Therefore, it has been classified as a Variant of Uncertain Significance.